The following is an entry in ClinVar:

ClinVar aggregate classification (germline): Likely benign (1 of 4 stars; one submission).

Conditions:
Breast-ovarian cancer, familial, susceptibility to, 4. Identifiers: Orphanet 145, MedGen C3280345, MONDO:0013669, OMIM 614291.

gnomAD v4.1: 13 of 1,609,314 alleles (0.00081%); no homozygotes.

Submission:

Myriad Genetics, Inc.
Classification: Likely benign for Breast-ovarian cancer, familial, susceptibility to, 4. Last evaluated: 2025-02-20. Review status: criteria provided, single submitter. Criteria: Myriad Autosomal Dominant, Autosomal Recessive and X-Linked Classification Criteria (2023). Collection method: clinical testing. Allele origin: unknown.
Comment: This variant is considered likely benign. This variant is intronic and is not expected to impact mRNA splicing.

NM_002878.4(RAD51D):c.145-10C>T

Genes: RAD51D (RAD51 paralog D; minus strand), RAD51L3-RFFL (RAD51L3-RFFL readthrough; minus strand). Cytogenetic location: 17q12.
Variant type: single nucleotide variant.
Coding change: c.145-10C>T on transcript NM_002878.4 (MANE Select); 10 bases into the intron before coding-DNA position 145, C replaced by T.
Molecular consequence: intron variant.
Genome position (GRCh38, 1-based): chr17:35,118,629, G>A on the plus strand (C>T on the coding strand, the complement: RAD51D is on the minus strand). VCF-style: chr17-35118629-G-A. GRCh37 (hg19) VCF-style: chr17-33445648-G-A.
Other names: c.144+482C>T (NM_133629.3, NM_001142571.2).
Identifiers: ClinVar variation 3904093 (VCV003904093.1).